The following is an entry in ClinVar:

NM_000092.5(COL4A4):c.2546-6T>C

Gene: COL4A4 (collagen type IV alpha 4 chain; minus strand). Cytogenetic location: 2q36.3.
Variant type: single nucleotide variant.
Coding change: c.2546-6T>C on transcript NM_000092.5 (MANE Select); 6 bases into the intron before coding-DNA position 2546, T replaced by C.
Molecular consequence: intron variant.
Genome position (GRCh38, 1-based): chr2:227,056,121, A>G on the plus strand (T>C on the coding strand, the complement: COL4A4 is on the minus strand). VCF-style: chr2-227056121-A-G. GRCh37 (hg19) VCF-style: chr2-227920837-A-G.
Identifiers: ClinVar variation 727998 (VCV000727998.13), dbSNP rs199710625, ClinGen allele CA2144775.
Genomic context (GRCh38, chr2:227,056,121, plus strand): 5'-CCAGCTGGCCCGGGAGGCCCCACATCTCCCGGCTGTCCTTTCCCACCTGGAGCACCTAAG[A>G]CAAACCACAGTGACCACAGTGTGTGAAGGCTGAACACTGGCTTCACACACAGCAGGAAAA-3'

ClinVar aggregate classification (germline): Benign/Likely benign. Review status: criteria provided, multiple submitters, no conflicts (2 of 4 stars). 3 submissions from 3 submitters: Benign (1); Likely benign (2). Last evaluated 2026-03-30.

Conditions:
COL4A4-related disorder.
Autosomal recessive Alport syndrome (ATS2). Also called: COL4A4 Alport Syndrome and Thin Basement Membrane Nephropathy; ALPORT SYNDROME 2, AUTOSOMAL RECESSIVE; COL4A3-Related Nephropathy; Alport syndrome type 2. Identifiers: Orphanet 63, Orphanet 88919, MedGen C4746745, MONDO:0008762, OMIM 203780.
Benign familial hematuria. Also called: thin basement membrane disease. Identifiers: MedGen C0241908, MONDO:0957317.

Allele frequency attached by ClinVar (database versions not stated): gnomAD 0.00011 and 0.00015; gnomAD exomes 0.00004 and 0.00018; TOPMed 0.00013; ExAC 0.00020; 1000 Genomes Project 30x 0.00078; 1000 Genomes Project 0.00080.
gnomAD v4.1: 79 of 1,613,892 alleles (0.0049%); highest among the groups gnomAD compares: East Asian, 0.16%; no homozygotes.

Submissions (3):

PreventionGenetics, part of Exact Sciences
Classification: Likely benign for COL4A4-related condition. Last evaluated: 2026-03-30. Review status: criteria provided, single submitter. Criteria: ACMG Guidelines, 2015. Collection method: clinical testing. Allele origin: germline.
Comment: This variant is classified as likely benign based on ACMG/AMP sequence variant interpretation guidelines (Richards et al. 2015 PMID: 25741868, with internal and published modifications).

Labcorp Genetics (formerly Invitae), Labcorp
Classification: Benign. Last evaluated: 2026-01-18. Review status: criteria provided, single submitter. Criteria: Invitae Variant Classification Sherloc (09022015). Collection method: clinical testing. Allele origin: germline.

Fulgent Genetics
Classification: Likely benign for Hematuria, benign familial, 1; Autosomal recessive Alport syndrome. Last evaluated: 2021-11-24. Review status: criteria provided, single submitter. Criteria: ACMG Guidelines, 2015. Collection method: clinical testing. Allele origin: unknown.